The following is an entry in ClinVar:

ClinVar aggregate classification (germline): Uncertain significance (1 of 4 stars; one submission).

Allele frequency attached by ClinVar (database versions not stated): TOPMed below 0.00001; gnomAD 0.00001; gnomAD exomes 0.00002 and 0.00005; ExAC 0.00007.
gnomAD v4.1: 25 of 1,614,074 alleles (0.0015%); highest among the groups gnomAD compares: South Asian, 0.022%; no homozygotes.

Submission:

Labcorp Genetics (formerly Invitae), Labcorp
Classification: Uncertain significance. Last evaluated: 2022-07-19. Review status: criteria provided, single submitter. Criteria: Invitae Variant Classification Sherloc (09022015). Collection method: clinical testing. Allele origin: germline.
Comment: In summary, the available evidence is currently insufficient to determine the role of this variant in disease. Therefore, it has been classified as a Variant of Uncertain Significance. Algorithms developed to predict the effect of missense changes on protein structure and function output the following: SIFT: "Not Available"; PolyPhen-2: "Benign"; Align-GVGD: "Not Available". The serine amino acid residue is found in multiple mammalian species, which suggests that this missense change does not adversely affect protein function. ClinVar contains an entry for this variant (Variation ID: 1044915). This variant has not been reported in the literature in individuals affected with CEP250-related conditions. This variant is present in population databases (rs775896863, gnomAD 0.04%). This sequence change replaces cysteine, which is neutral and slightly polar, with serine, which is neutral and polar, at codon 219 of the CEP250 protein (p.Cys219Ser).

NM_007186.6(CEP250):c.656G>C (p.Cys219Ser)

Gene: CEP250 (centrosomal protein 250; plus strand). Cytogenetic location: 20q11.22.
Variant type: single nucleotide variant.
Coding change: c.656G>C on transcript NM_007186.6 (MANE Select); coding-DNA position 656, G replaced by C.
Protein change: p.Cys219Ser; replaces cysteine 219 with serine.
Molecular consequence: missense variant. On other transcripts: 5 prime UTR variant (1).
Genome position (GRCh38, 1-based): chr20:35,467,360, G>C. VCF-style: chr20-35467360-G-C. GRCh37 (hg19) VCF-style: chr20-34055185-G-C.
Other names: c.-1244G>C (NM_001318219.1); short protein forms C219S.
Identifiers: ClinVar variation 1044915 (VCV001044915.6), dbSNP rs775896863, ClinGen allele CA9832682.